The following is an entry in ClinVar:

NM_032737.4(LMNB2):c.1007G>A (p.Arg336Gln)

Gene: LMNB2 (lamin B2; minus strand). Cytogenetic location: 19p13.3.
Variant type: single nucleotide variant.
Coding change: c.1007G>A on transcript NM_032737.4 (MANE Select); coding-DNA position 1007, G replaced by A.
Protein change: p.Arg336Gln; replaces arginine 336 with glutamine.
Molecular consequence: missense variant.
Genome position (GRCh38, 1-based): chr19:2,434,490, C>T on the plus strand (G>A on the coding strand, the complement: LMNB2 is on the minus strand). VCF-style: chr19-2434490-C-T. GRCh37 (hg19) VCF-style: chr19-2434488-C-T.
Other names: short protein forms R336Q.
Identifiers: ClinVar variation 998852 (VCV000998852.8), dbSNP rs772252986, ClinGen allele CA9067624.

ClinVar aggregate classification (germline): Uncertain significance (1 of 4 stars; one submission).

Conditions:
Lipodystrophy, partial, acquired, susceptibility to (APLD). Also called: APLD, SUSCEPTIBILITY TO. Identifiers: MedGen C3887501, MONDO:0100476, OMIM 608709.
Progressive myoclonic epilepsy type 9. Identifiers: Orphanet 457265, MedGen C4225289, MONDO:0014685, OMIM 616540.

Allele frequency attached by ClinVar (database versions not stated): gnomAD exomes 0.00001 and 0.00002; TOPMed 0.00001; ExAC 0.00002.
gnomAD v4.1: 15 of 1,613,000 alleles (0.00093%); highest among the groups gnomAD compares: African/African-American, 0.0027%; no homozygotes.

Submission:

Labcorp Genetics (formerly Invitae), Labcorp
Classification: Uncertain significance for Progressive myoclonic epilepsy type 9; Lipodystrophy, partial, acquired, susceptibility to. Last evaluated: 2023-02-20. Review status: criteria provided, single submitter. Criteria: Invitae Variant Classification Sherloc (09022015). Collection method: clinical testing. Allele origin: germline.
Comment: This variant is present in population databases (rs772252986, gnomAD 0.004%). This sequence change replaces arginine, which is basic and polar, with glutamine, which is neutral and polar, at codon 336 of the LMNB2 protein (p.Arg336Gln). This variant has not been reported in the literature in individuals affected with LMNB2-related conditions. ClinVar contains an entry for this variant (Variation ID: 998852). Advanced modeling of protein sequence and biophysical properties (such as structural, functional, and spatial information, amino acid conservation, physicochemical variation, residue mobility, and thermodynamic stability) performed at Invitae indicates that this missense variant is not expected to disrupt LMNB2 protein function. In summary, the available evidence is currently insufficient to determine the role of this variant in disease. Therefore, it has been classified as a Variant of Uncertain Significance.